The following is an entry in ClinVar:

NM_207352.4(CYP4V2):c.1507G>C (p.Gly503Arg)

Gene: CYP4V2 (cytochrome P450 family 4 subfamily V member 2; plus strand). Cytogenetic location: 4q35.2.
Variant type: single nucleotide variant.
Coding change: c.1507G>C on transcript NM_207352.4 (MANE Select); coding-DNA position 1507, G replaced by C.
Protein change: p.Gly503Arg; replaces glycine 503 with arginine.
Molecular consequence: missense variant.
Genome position (GRCh38, 1-based): chr4:186,210,570, G>C. VCF-style: chr4-186210570-G-C. GRCh37 (hg19) VCF-style: chr4-187131724-G-C.
Other names: short protein forms G503R.
Identifiers: ClinVar variation 3007899 (VCV003007899.4), dbSNP rs750524069, ClinGen allele CA3162883.

ClinVar aggregate classification (germline): Conflicting classifications of pathogenicity. Review status: criteria provided, conflicting classifications (1 of 4 stars). 2 submissions from 2 submitters: Likely pathogenic (1); Uncertain significance (1). Last evaluated 2025-03-17.

Allele frequency attached by ClinVar (database versions not stated): gnomAD exomes below 0.00001; TOPMed below 0.00001; ExAC 0.00004.
gnomAD v4.1: 2 of 1,614,158 alleles (0.00012%); highest among the groups gnomAD compares: East Asian, 0.0045%; no homozygotes.

Submissions (2):

Labcorp Genetics (formerly Invitae), Labcorp
Classification: Likely pathogenic. Last evaluated: 2025-03-17. Review status: criteria provided, single submitter. Criteria: Invitae Variant Classification Sherloc (09022015). Collection method: clinical testing. Allele origin: germline.
Comment: This sequence change replaces glycine, which is neutral and non-polar, with arginine, which is basic and polar, at codon 503 of the CYP4V2 protein (p.Gly503Arg). This variant is present in population databases (rs750524069, gnomAD 0.03%). This missense change has been observed in individual(s) with Bietti crystalline dystrophy and/or clinical features of CYP4V2-related conditions (PMID: 34923510; internal data). ClinVar contains an entry for this variant (Variation ID: 3007899). Invitae Evidence Modeling of protein sequence and biophysical properties (such as structural, functional, and spatial information, amino acid conservation, physicochemical variation, residue mobility, and thermodynamic stability) indicates that this missense variant is expected to disrupt CYP4V2 protein function with a positive predictive value of 95%. This variant disrupts the p.Gly503 amino acid residue in CYP4V2. Other variant(s) that disrupt this residue have been observed in individuals with CYP4V2-related conditions (PMID: 30429639), which suggests that this may be a clinically significant amino acid residue. In summary, the currently available evidence indicates that the variant is pathogenic, but additional data are needed to prove that conclusively. Therefore, this variant has been classified as Likely Pathogenic.

Blueprint Genetics
Classification: Uncertain significance. Last evaluated: 2019-04-05. Review status: criteria provided, single submitter. Criteria: ACMG Guidelines, 2015. Collection method: clinical testing. Allele origin: germline.

Literature cited by the submitters: PubMed 34923510 (cited by Labcorp Genetics (formerly Invitae), Labcorp); PubMed 30429639 (cited by Labcorp Genetics (formerly Invitae), Labcorp).